The following is an entry in ClinVar:

NM_001148.6(ANK2):c.1583C>T (p.Thr528Ile)

Gene: ANK2 (ankyrin 2; plus strand). Cytogenetic location: 4q26.
Variant type: single nucleotide variant.
Coding change: c.1583C>T on transcript NM_001148.6 (MANE Select); coding-DNA position 1583, C replaced by T.
Protein change: p.Thr528Ile; replaces threonine 528 with isoleucine.
Molecular consequence: missense variant.
Genome position (GRCh38, 1-based): chr4:113,274,549, C>T. VCF-style: chr4-113274549-C-T. GRCh37 (hg19) VCF-style: chr4-114195705-C-T.
Other names: c.1520C>T, p.Thr507Ile (NM_001127493.3, NM_001354253.2, NM_001354254.2 and 14 more transcripts); c.1583C>T, p.Thr528Ile (NM_001354225.2, NM_001354228.2, NM_001354232.2 and 8 more transcripts); c.1628C>T, p.Thr543Ile (NM_001354230.2, NM_001354231.2, NM_001354237.2 and 5 more transcripts); c.1496C>T, p.Thr499Ile (NM_001354260.2, NM_001354274.2, NM_001354276.2 and 13 more transcripts); c.1541C>T, p.Thr514Ile (NM_001354261.2, NM_001386147.1, NM_001386160.1); c.1298C>T, p.Thr433Ile (NM_001354277.2, NM_001386157.1, NM_001386158.1); c.1634C>T, p.Thr545Ile (NM_001386174.1); c.1610C>T, p.Thr537Ile (NM_001386175.1); and 4 more; short protein forms T499I, T524I, T545I, T507I, T458I, T462I, T516I, T528I.
Identifiers: ClinVar variation 2960157 (VCV002960157.3), dbSNP rs2153688509, ClinGen allele CA357907413.

ClinVar aggregate classification (germline): Uncertain significance (1 of 4 stars; one submission).

Conditions:
Long QT syndrome (LQTS). Identifiers: MedGen C0023976, MeSH D008133, MONDO:0002442. Disease mechanism: loss of function. Inheritance: Various modes of inheritance.

gnomAD v4.1: 1 of 1,614,186 alleles (0.000062%); highest among the groups gnomAD compares: Non-Finnish European, 0.000085%; no homozygotes.

Submission:

Labcorp Genetics (formerly Invitae), Labcorp
Classification: Uncertain significance for Long QT syndrome. Last evaluated: 2023-04-27. Review status: criteria provided, single submitter. Criteria: Invitae Variant Classification Sherloc (09022015). Collection method: clinical testing. Allele origin: germline.
Comment: This variant is not present in population databases (gnomAD no frequency). In summary, the available evidence is currently insufficient to determine the role of this variant in disease. Therefore, it has been classified as a Variant of Uncertain Significance. Advanced modeling of protein sequence and biophysical properties (such as structural, functional, and spatial information, amino acid conservation, physicochemical variation, residue mobility, and thermodynamic stability) performed at Invitae indicates that this missense variant is not expected to disrupt ANK2 protein function. This variant has not been reported in the literature in individuals affected with ANK2-related conditions. This sequence change replaces threonine, which is neutral and polar, with isoleucine, which is neutral and non-polar, at codon 528 of the ANK2 protein (p.Thr528Ile).